The following is an entry in ClinVar:

ClinVar aggregate classification (germline): Conflicting classifications of pathogenicity. Review status: criteria provided, conflicting classifications (1 of 4 stars). 3 submissions from 3 submitters: Uncertain significance (2); Likely benign (1). Last evaluated 2025-10-04.

Conditions:
Malignant hyperthermia, susceptibility to, 5 (MHS5). Also called: CACNA1S-Related Malignant Hyperthermia Susceptibility. Identifiers: Orphanet 423, MedGen C1866077, MONDO:0011163, OMIM 601887.
Hypokalemic periodic paralysis, type 1. Also called: Hypokalemic Periodic Paralysis Type 1 (AD); HypoPP. Identifiers: Orphanet 681, MedGen C3714580, MONDO:0042979, OMIM 170400.

Allele frequency attached by ClinVar (database versions not stated): gnomAD exomes 0.00001; gnomAD 0.00005; TOPMed 0.00005; ExAC 0.00007; ESP Exome Variant Server 0.00008; 1000 Genomes Project 30x 0.00031; 1000 Genomes Project 0.00040.
gnomAD v4.1: 27 of 1,581,036 alleles (0.0017%); highest among the groups gnomAD compares: Non-Finnish European, 0.0022%; no homozygotes.

Submissions (3):

Labcorp Genetics (formerly Invitae), Labcorp
Classification: Likely benign for Hypokalemic periodic paralysis, type 1; Malignant hyperthermia, susceptibility to, 5. Last evaluated: 2025-10-04. Review status: criteria provided, single submitter. Criteria: Invitae Variant Classification Sherloc (09022015). Collection method: clinical testing. Allele origin: germline.

GeneDx
Classification: Uncertain significance. Last evaluated: 2025-08-07. Review status: criteria provided, single submitter. Criteria: GeneDx Variant Classification Process June 2021. Collection method: clinical testing. Allele origin: germline. Affected: yes.
Comment: In silico analysis supports a deleterious effect on splicing; Has not been previously published as pathogenic or benign to our knowledge

Color Diagnostics, LLC DBA Color Health
Classification: Uncertain significance for Malignant hyperthermia, susceptibility to, 5. Last evaluated: 2024-04-11. Review status: criteria provided, single submitter. Criteria: ACMG Guidelines, 2015. Collection method: clinical testing. Allele origin: germline.
Comment: This synonymous variant does not change the amino acid sequence of the CACNA1S protein. Splice site prediction tools suggest that this variant may activate a cryptic splice donor site, however, this prediction has not been confirmed in published RNA studies. This variant has not been reported in individuals affected with CACNA1S-related disorders in the literature. This variant has been identified in 8/251468 chromosomes in the general population by the Genome Aggregation Database (gnomAD). The available evidence is insufficient to determine the role of this variant in disease conclusively. Therefore, this variant is classified as a Variant of Uncertain Significance.

NM_000069.3(CACNA1S):c.1944C>T (p.Gly648=)

Gene: CACNA1S (calcium voltage-gated channel subunit alpha1 S; minus strand). Cytogenetic location: 1q32.1.
Variant type: single nucleotide variant.
Coding change: c.1944C>T on transcript NM_000069.3 (MANE Select); coding-DNA position 1944, C replaced by T.
Protein change: p.Gly648=; no amino-acid change (glycine 648 retained).
Molecular consequence: synonymous variant.
Genome position (GRCh38, 1-based): chr1:201,075,499, G>A on the plus strand (C>T on the coding strand, the complement: CACNA1S is on the minus strand). VCF-style: chr1-201075499-G-A. GRCh37 (hg19) VCF-style: chr1-201044627-G-A.
Other names: c.1944C>T (NM_000069.2).
Identifiers: ClinVar variation 2926154 (VCV002926154.4), dbSNP rs145733062, ClinGen allele CA078675.